The following is an entry in ClinVar:

NM_007294.4(BRCA1):c.4790C>G (p.Thr1597Ser)

Gene: BRCA1 (BRCA1 DNA repair associated; minus strand). Cytogenetic location: 17q21.31.
Variant type: single nucleotide variant.
Coding change: c.4790C>G on transcript NM_007294.4 (MANE Select); coding-DNA position 4790, C replaced by G.
Protein change: p.Thr1597Ser; replaces threonine 1597 with serine.
Molecular consequence: missense variant. On other transcripts: non-coding transcript variant (1).
Genome position (GRCh38, 1-based): chr17:43,071,124, G>C on the plus strand (C>G on the coding strand, the complement: BRCA1 is on the minus strand). VCF-style: chr17-43071124-G-C. GRCh37 (hg19) VCF-style: chr17-41223141-G-C.
Other names: c.4577C>G, p.Thr1526Ser (NM_001407895.1, NM_001407900.1, NM_001407902.1 and 12 more transcripts); c.1097C>G, p.Thr366Ser (NM_001408511.1); c.1478C>G, p.Thr493Ser (NM_007298.4, NM_007299.4, NM_001408472.1 and 13 more transcripts); c.4649C>G, p.Thr1550Ser (NM_007297.4, NM_001407692.1, NM_001407694.1 and 13 more transcripts); c.977C>G, p.Thr326Ser (NM_001408512.1); c.950C>G, p.Thr317Ser (NM_001408513.1); c.4856C>G, p.Thr1619Ser (NM_001407581.1, NM_001407582.1); c.4853C>G, p.Thr1618Ser (NM_001407583.1, NM_001407585.1, NM_001407587.1 and 1 more transcripts); and 70 more; short protein forms T1468S, T1527S, T1556S, T1571S, T1596S, T1597S, T381S, T427S.
Identifiers: ClinVar variation 1743105 (VCV001743105.5), dbSNP rs587781623, ClinGen allele CA10591938.

ClinVar aggregate classification (germline): Uncertain significance. Review status: criteria provided, multiple submitters, no conflicts (2 of 4 stars). 2 submissions from 2 submitters: Uncertain significance (2). Last evaluated 2024-09-30.

Conditions:
Hereditary cancer-predisposing syndrome. Also called: Hereditary Cancer Syndrome; Neoplastic Syndromes, Hereditary; Tumor predisposition; Hereditary neoplastic syndrome. Identifiers: Orphanet 140162, MedGen C0027672, MeSH D009386, MONDO:0015356.

Submissions (2):

Ambry Genetics
Classification: Uncertain significance for Hereditary cancer-predisposing syndrome. Last evaluated: 2024-09-30. Review status: criteria provided, single submitter. Criteria: Ambry Variant Classification Scheme 2023. Collection method: clinical testing. Allele origin: germline.
Comment: The p.T1597S variant (also known as c.4790C>G), located in coding exon 14 of the BRCA1 gene, results from a C to G substitution at nucleotide position 4790. The threonine at codon 1597 is replaced by serine, an amino acid with similar properties. This amino acid position is conserved. In addition, the in silico prediction for this alteration is inconclusive. Since supporting evidence is limited at this time, the clinical significance of this alteration remains unclear.

Color Diagnostics, LLC DBA Color Health
Classification: Uncertain significance for Hereditary cancer-predisposing syndrome. Last evaluated: 2021-10-04. Review status: criteria provided, single submitter. Criteria: ACMG Guidelines, 2015. Collection method: clinical testing. Allele origin: germline.
Comment: This missense variant replaces threonine with serine at codon 1597 of the BRCA1 protein. Computational prediction suggests that this variant may not impact protein structure and function (internally defined REVEL score threshold <= 0.5, PMID: 27666373). To our knowledge, functional studies have not been reported for this variant. This variant has not been reported in individuals affected with hereditary cancer in the literature. This variant has not been identified in the general population by the Genome Aggregation Database (gnomAD). The available evidence is insufficient to determine the role of this variant in disease conclusively. Therefore, this variant is classified as a Variant of Uncertain Significance.